The following is an entry in ClinVar:

ClinVar aggregate classification (germline): Uncertain significance (1 of 4 stars; one submission).

Allele frequency attached by ClinVar (database versions not stated): gnomAD 0.00001; gnomAD exomes 0.00001 and 0.00002; ExAC 0.00002; TOPMed 0.00002.
gnomAD v4.1: 25 of 1,613,912 alleles (0.0015%); highest among the groups gnomAD compares: East Asian, 0.016%; no homozygotes.

Submission:

Labcorp Genetics (formerly Invitae), Labcorp
Classification: Uncertain significance. Last evaluated: 2025-07-09. Review status: criteria provided, single submitter. Criteria: Invitae Variant Classification Sherloc (09022015). Collection method: clinical testing. Allele origin: germline.
Comment: This sequence change replaces arginine, which is basic and polar, with histidine, which is basic and polar, at codon 915 of the LAMB1 protein (p.Arg915His). This variant is present in population databases (rs769413525, gnomAD 0.01%). This variant has not been reported in the literature in individuals affected with LAMB1-related conditions. ClinVar contains an entry for this variant (Variation ID: 1488026). An algorithm developed to predict the effect of missense changes on protein structure and function (PolyPhen-2) suggests that this variant is likely to be disruptive. In summary, the available evidence is currently insufficient to determine the role of this variant in disease. Therefore, it has been classified as a Variant of Uncertain Significance.

NM_002291.3(LAMB1):c.2744G>A (p.Arg915His)

Gene: LAMB1 (laminin subunit beta 1; minus strand). Cytogenetic location: 7q31.1.
Variant type: single nucleotide variant.
Coding change: c.2744G>A on transcript NM_002291.3 (MANE Select); coding-DNA position 2744, G replaced by A.
Protein change: p.Arg915His; replaces arginine 915 with histidine.
Molecular consequence: missense variant.
Genome position (GRCh38, 1-based): chr7:107,955,577, C>T on the plus strand (G>A on the coding strand, the complement: LAMB1 is on the minus strand). VCF-style: chr7-107955577-C-T. GRCh37 (hg19) VCF-style: chr7-107596022-C-T.
Other names: short protein forms R915H.
Identifiers: ClinVar variation 1488026 (VCV001488026.6), dbSNP rs769413525, ClinGen allele CA4435535.